The following is an entry in ClinVar:

NM_022356.4(P3H1):c.368G>C (p.Cys123Ser)

Gene: P3H1 (prolyl 3-hydroxylase 1; minus strand). Cytogenetic location: 1p34.2.
Variant type: single nucleotide variant.
Coding change: c.368G>C on transcript NM_022356.4 (MANE Select); coding-DNA position 368, G replaced by C.
Protein change: p.Cys123Ser; replaces cysteine 123 with serine.
Molecular consequence: missense variant.
Genome position (GRCh38, 1-based): chr1:42,766,604, C>G on the plus strand (G>C on the coding strand, the complement: P3H1 is on the minus strand). VCF-style: chr1-42766604-C-G. GRCh37 (hg19) VCF-style: chr1-43232275-C-G.
Other names: c.368G>C, p.Cys123Ser (NM_001146289.2, NM_001243246.2); short protein forms C123S.
Identifiers: ClinVar variation 1702038 (VCV001702038.7), dbSNP rs1310667421, ClinGen allele CA339963580.
Genomic context (GRCh38, chr1:42,766,604, plus strand): 5'-CGCTTGCGGAACTCCAGCTCCATCTCTTCGCTGAGCGAGTGGGCGGCCGGCGGCCCGAGG[C>G]AGCGGCGCAGGCAGGCAGCGCGACGCAGAAGGCCCCCGAAGAAGCTCAGGTCGCGCAGGG-3'
Protein context (NP_071751.3, residues 113-133): LLRRAACLRR[Cys123Ser]LGPPAAHSLS

ClinVar aggregate classification (germline): Uncertain significance. Review status: criteria provided, multiple submitters, no conflicts (2 of 4 stars). 4 submissions from 4 submitters: Uncertain significance (4). Last evaluated 2023-04-11.

Conditions:
Osteogenesis imperfecta (OI). Identifiers: Orphanet 666, MedGen C0029434, MeSH D010013, MONDO:0019019.
Osteogenesis imperfecta type 8 (OI8). Identifiers: MedGen C1970458, MONDO:0012581, OMIM 610915.

Allele frequency attached by ClinVar (database versions not stated): gnomAD exomes below 0.00001 and 0.00001; gnomAD 0.00001; TOPMed 0.00001.
gnomAD v4.1: 15 of 1,608,500 alleles (0.00093%); highest among the groups gnomAD compares: Non-Finnish European, 0.0013%; no homozygotes.

Submissions (4):

Genome-Nilou Lab
Classification: Uncertain significance for Osteogenesis imperfecta type 8. Last evaluated: 2023-04-11. Review status: criteria provided, single submitter. Criteria: ACMG Guidelines, 2015. Collection method: clinical testing. Allele origin: germline. Affected: no.

Labcorp Genetics (formerly Invitae), Labcorp
Classification: Uncertain significance for Osteogenesis imperfecta type 8. Last evaluated: 2022-04-05. Review status: criteria provided, single submitter. Criteria: Invitae Variant Classification Sherloc (09022015). Collection method: clinical testing. Allele origin: germline.
Comment: This sequence change replaces cysteine, which is neutral and slightly polar, with serine, which is neutral and polar, at codon 123 of the P3H1 protein (p.Cys123Ser). This variant is present in population databases (no rsID available, gnomAD 0.001%). This variant has not been reported in the literature in individuals affected with P3H1-related conditions. Algorithms developed to predict the effect of missense changes on protein structure and function are either unavailable or do not agree on the potential impact of this missense change (SIFT: "Deleterious"; PolyPhen-2: "Probably Damaging"; Align-GVGD: "Class C0"). In summary, the available evidence is currently insufficient to determine the role of this variant in disease. Therefore, it has been classified as a Variant of Uncertain Significance.

Blueprint Genetics
Classification: Uncertain significance. Last evaluated: 2021-11-17. Review status: criteria provided, single submitter. Criteria: ACMG Guidelines, 2015. Collection method: clinical testing. Allele origin: germline.

Genome Diagnostics Laboratory, The Hospital for Sick Children
Classification: Uncertain significance for Osteogenesis imperfecta. Last evaluated: 2021-05-04. Review status: criteria provided, single submitter. Criteria: ACMG Guidelines, 2015. Collection method: clinical testing. Allele origin: germline.